The following is an entry in ClinVar:

ClinVar aggregate classification (germline): Conflicting classifications of pathogenicity. Review status: criteria provided, conflicting classifications (1 of 4 stars). 6 submissions from 6 submitters: Uncertain significance (2); Benign (1); Likely benign (3). Last evaluated 2026-01-27.

Conditions:
Tuberous sclerosis syndrome (TSC). Also called: Tuberous Sclerosis Complex; Tuberous sclerosis. Identifiers: Orphanet 805, MedGen C0041341, MONDO:0001734.
Hereditary cancer-predisposing syndrome. Also called: Neoplastic Syndromes, Hereditary; Hereditary Cancer Syndrome; Tumor predisposition; Hereditary neoplastic syndrome. Identifiers: Orphanet 140162, MedGen C0027672, MeSH D009386, MONDO:0015356.
Isolated focal cortical dysplasia type II (FCORD2). Also called: CORTICAL DYSPLASIA OF TAYLOR; Focal cortical dysplasia type II. Identifiers: Orphanet 268994, MedGen C1846385, MONDO:0011818, OMIM 607341, HP:0032051.
Tuberous sclerosis 2 (TSC2). Identifiers: Orphanet 805, MedGen C1860707, MONDO:0013199, OMIM 613254.

Allele frequency attached by ClinVar (database versions not stated): gnomAD 0.00001; TOPMed 0.00002.
gnomAD v4.1: 1 of 1,609,032 alleles (0.000062%); highest among the groups gnomAD compares: Admixed American, 0.0017%; no homozygotes.

Submissions (6):

Labcorp Genetics (formerly Invitae), Labcorp
Classification: Benign for Tuberous sclerosis 2. Last evaluated: 2026-01-27. Review status: criteria provided, single submitter. Criteria: Invitae Variant Classification Sherloc (09022015). Collection method: clinical testing. Allele origin: germline.

Color Diagnostics, LLC DBA Color Health
Classification: Uncertain significance for Tuberous sclerosis syndrome. Last evaluated: 2025-11-11. Review status: criteria provided, single submitter. Criteria: ACMG Guidelines, 2015. Collection method: clinical testing. Allele origin: germline.
Comment: This missense variant replaces isoleucine with leucine at codon 1797 of the TSC2 protein. Computational prediction suggests that this variant may not impact protein structure and function. To our knowledge, functional studies have not been reported for this variant. This variant has not been reported in individuals affected with TSC2-related disorders in the literature. This variant has been identified in 1/1609032 chromosomes in the general population by the Genome Aggregation Database (gnomAD). The available evidence is insufficient to determine the role of this variant in disease conclusively. Therefore, this variant is classified as a Variant of Uncertain Significance.

Ambry Genetics
Classification: Likely benign for Hereditary cancer-predisposing syndrome. Last evaluated: 2025-06-25. Review status: criteria provided, single submitter. Criteria: Ambry Variant Classification Scheme 2023. Collection method: clinical testing. Allele origin: germline.

Baylor Genetics
Classification: Uncertain significance for Isolated focal cortical dysplasia type II. Last evaluated: 2024-02-14. Review status: criteria provided, single submitter. Criteria: ACMG Guidelines, 2015. Collection method: clinical testing. Allele origin: unknown.

Genome-Nilou Lab
Classification: Likely benign for Tuberous sclerosis 2. Last evaluated: 2021-11-07. Review status: criteria provided, single submitter. Criteria: ACMG Guidelines, 2015. Collection method: clinical testing. Allele origin: germline. Affected: no.

GeneDx
Classification: Likely benign. Last evaluated: 2014-01-20. Review status: criteria provided, single submitter. Criteria: GeneDx Variant Classification (06012015). Collection method: clinical testing. Allele origin: germline. Affected: yes.
Comment: This variant is considered likely benign or benign based on one or more of the following criteria: it is a conservative change, it occurs at a poorly conserved position in the protein, it is predicted to be benign by multiple in silico algorithms, and/or has population frequency not consistent with disease.

NM_000548.5(TSC2):c.5389A>C (p.Ile1797Leu)

Gene: TSC2 (TSC complex subunit 2; plus strand). Cytogenetic location: 16p13.3.
Variant type: single nucleotide variant.
Coding change: c.5389A>C on transcript NM_000548.5 (MANE Select); coding-DNA position 5389, A replaced by C.
Protein change: p.Ile1797Leu; replaces isoleucine 1797 with leucine.
Molecular consequence: missense variant.
Genome position (GRCh38, 1-based): chr16:2,088,575, A>C. VCF-style: chr16-2088575-A-C. GRCh37 (hg19) VCF-style: chr16-2138576-A-C.
Other names: p.I1797L:ATC>CTC; c.5188A>C, p.Ile1730Leu (NM_001077183.3); c.5320A>C, p.Ile1774Leu (NM_001114382.3); c.5080A>C, p.Ile1694Leu (NM_001318827.2); c.5044A>C, p.Ile1682Leu (NM_001318829.2); c.4657A>C, p.Ile1553Leu (NM_001318831.2); c.5221A>C, p.Ile1741Leu (NM_001318832.2); c.5191A>C, p.Ile1731Leu (NM_001363528.2); and 3 more; short protein forms I1797L, I1730L, I1731L, I1553L, I1741L, I1750L, I1682L, I1754L.
Identifiers: ClinVar variation 207696 (VCV000207696.21), dbSNP rs796053479, ClinGen allele CA319402.
Genomic context (GRCh38, chr16:2,088,575, plus strand): 5'-CCTGCACAGACTCCAGCCGAGCCCACACCTGGCTATGAGGTGGGCCAGCGGAAGCGCCTC[A>C]TCTCCTCGGTGGAGGACTTCACCGAGTTTGTGTGAGGCCGGGGCCCTCCCTCCTGCACTG-3'
Protein context (NP_000539.2, residues 1787-1807): GYEVGQRKRL[Ile1797Leu]SSVEDFTEFV